The following is an entry in ClinVar:

NM_138477.4(CDAN1):c.320A>T (p.Gln107Leu)

Genes: CDAN1 (codanin 1; minus strand), LOC130056931 (ATAC-STARR-seq lymphoblastoid silent region 6376; plus strand). Cytogenetic location: 15q15.2.
Variant type: single nucleotide variant.
Coding change: c.320A>T on transcript NM_138477.4 (MANE Select); coding-DNA position 320, A replaced by T.
Protein change: p.Gln107Leu; replaces glutamine 107 with leucine.
Molecular consequence: missense variant.
Genome position (GRCh38, 1-based): chr15:42,736,551, T>A on the plus strand (A>T on the coding strand, the complement: CDAN1 is on the minus strand). VCF-style: chr15-42736551-T-A. GRCh37 (hg19) VCF-style: chr15-43028749-T-A.
Other names: c.320A>T, p.Gln107Leu (LRG_1164t1); short protein forms Q107L.
Identifiers: ClinVar variation 21751 (VCV000021751.30), dbSNP rs4265781, ClinGen allele CA342453.

ClinVar aggregate classification (germline): Benign. Review status: criteria provided, multiple submitters, no conflicts (2 of 4 stars). 7 submissions from 7 submitters: Benign (7). Last evaluated 2026-02-04.

Conditions:
Anemia, congenital dyserythropoietic, type 1a (CDAN1A). Also called: CDAN1-Related Congenital Dyserythropoietic Anemia; DYSERYTHROPOIETIC ANEMIA, CONGENITAL, TYPE Ia. Identifiers: MedGen C5574667, MONDO:0009135, OMIM 224120.
Congenital dyserythropoietic anemia, type I. Also called: Dyserythropoietic anemia, congenital type 1. Identifiers: Orphanet 98869, MedGen C0271933, MONDO:0020337. Disease mechanism: loss of function.

Allele frequency attached by ClinVar (database versions not stated): TOPMed 0.41691; 1000 Genomes Project 0.46066; 1000 Genomes Project 30x 0.46830; gnomAD exomes 0.27051; gnomAD 0.40845 and 0.41423; ExAC 0.41316.
gnomAD v4.1: 398,415 of 1,483,802 alleles (27%); highest among the groups gnomAD compares: African/African-American, 85%; 68,781 homozygotes.

Submissions (7):

Labcorp Genetics (formerly Invitae), Labcorp
Classification: Benign. Last evaluated: 2026-02-04. Review status: criteria provided, single submitter. Criteria: Invitae Variant Classification Sherloc (09022015). Collection method: clinical testing. Allele origin: germline.

ARUP Laboratories, Molecular Genetics and Genomics, ARUP Laboratories
Classification: Benign for Anemia, congenital dyserythropoietic, type 1a. Last evaluated: 2025-07-31. Review status: criteria provided, single submitter. Criteria: ARUP Molecular Germline Variant Investigation Process 2024. Collection method: clinical testing. Allele origin: germline.

Blueprint Genetics
Classification: Benign. Last evaluated: 2024-11-27. Review status: criteria provided, single submitter. Criteria: ACMG Guidelines, 2015. Collection method: clinical testing. Allele origin: germline.

Mayo Clinic Laboratories, Mayo Clinic
Classification: Benign. Last evaluated: 2022-09-06. Review status: criteria provided, single submitter. Criteria: ACMG Guidelines, 2015. Collection method: clinical testing. Allele origin: germline. Observed: 835 variant alleles.

Illumina Laboratory Services, Illumina
Classification: Benign for Anemia, congenital dyserythropoietic, type 1a. Last evaluated: 2018-01-12. Review status: criteria provided, single submitter. Criteria: ICSL Variant Classification Criteria 13 December 2019. Collection method: clinical testing. Allele origin: germline.
Comment: This variant was observed in the ICSL laboratory as part of a predisposition screen in an ostensibly healthy population. It had not been previously curated by ICSL or reported in the Human Gene Mutation Database (HGMD: prior to June 1st, 2018), and was therefore a candidate for classification through an automated scoring system. Utilizing variant allele frequency, disease prevalence and penetrance estimates, and inheritance mode, an automated score was calculated to assess if this variant is too frequent to cause the disease. Based on the score and internal cut-off values, a variant classified as benign is not then subjected to further curation. The score for this variant resulted in a classification of benign for this disease.

Breakthrough Genomics
Classification: Benign. Review status: criteria provided, single submitter. Criteria: ACMG Guidelines, 2015. Collection method: not provided. Allele origin: germline. Inheritance: Autosomal recessive inheritance. Affected: yes.

PreventionGenetics, part of Exact Sciences
Classification: Benign. Review status: criteria provided, single submitter. Criteria: ACMG Guidelines, 2015. Collection method: clinical testing. Allele origin: germline.